The following is an entry in ClinVar:

ClinVar aggregate classification (germline): Benign/Likely benign. Review status: criteria provided, single submitter (1 of 4 stars). 2 submissions from 1 submitter: Benign (1); Likely benign (1). Last evaluated 2018-01-12.

Conditions:
Primary open angle glaucoma (POAG). Also called: OPTN-related open angle glaucoma. Identifiers: MedGen C0339573, MONDO:0100553, OMIM 137760.
Amyotrophic lateral sclerosis type 12 (ALS12). Also called: AMYOTROPHIC LATERAL SCLEROSIS 12 WITH OR WITHOUT FRONTOTEMPORAL DEMENTIA. Identifiers: Orphanet 803, MedGen C3150692, MONDO:0013264, OMIM 613435.

Allele frequency attached by ClinVar (database versions not stated): 1000 Genomes Project 0.00180; TOPMed 0.00377; 1000 Genomes Project 30x 0.00422.

Submissions (2):

Illumina Laboratory Services, Illumina
Classification: Benign for Primary open angle glaucoma. Last evaluated: 2018-01-12. Review status: criteria provided, single submitter. Criteria: ICSL Variant Classification Criteria 13 December 2019. Collection method: clinical testing. Allele origin: germline.
Comment: This variant was observed in the ICSL laboratory as part of a predisposition screen in an ostensibly healthy population. It had not been previously curated by ICSL or reported in the Human Gene Mutation Database (HGMD: prior to June 1st, 2018), and was therefore a candidate for classification through an automated scoring system. Utilizing variant allele frequency, disease prevalence and penetrance estimates, and inheritance mode, an automated score was calculated to assess if this variant is too frequent to cause the disease. Based on the score and internal cut-off values, a variant classified as benign is not then subjected to further curation. The score for this variant resulted in a classification of benign for this disease.

Illumina Laboratory Services, Illumina
Classification: Likely benign for Amyotrophic lateral sclerosis type 12. Last evaluated: 2018-01-12. Review status: criteria provided, single submitter. Criteria: ICSL Variant Classification Criteria 13 December 2019. Collection method: clinical testing. Allele origin: germline.
Comment: This variant was observed in the ICSL laboratory as part of a predisposition screen in an ostensibly healthy population. It had not been previously curated by ICSL or reported in the Human Gene Mutation Database (HGMD: prior to June 1st, 2018), and was therefore a candidate for classification through an automated scoring system. Utilizing variant allele frequency, disease prevalence and penetrance estimates, and inheritance mode, an automated score was calculated to assess if this variant is too frequent to cause the disease. Based on the score and internal cut-off values, a variant classified as likely benign is not then subjected to further curation. The score for this variant resulted in a classification of likely benign for this disease.

NM_001008212.2(OPTN):c.-164+13A>G

Genes: OPTN (optineurin; plus strand), LOC130003370 (ATAC-STARR-seq lymphoblastoid silent region 2150; plus strand). Cytogenetic location: 10p13.
Variant type: single nucleotide variant.
Coding change: c.-164+13A>G on transcript NM_001008212.2 (MANE Select); 13 bases into the intron after 164 bases upstream of the start codon, A replaced by G.
Molecular consequence: intron variant.
Genome position (GRCh38, 1-based): chr10:13,100,315, A>G. VCF-style: chr10-13100315-A-G. GRCh37 (hg19) VCF-style: chr10-13142315-A-G.
Other names: c.-233+13A>G (NM_001008211.1); c.-218+13A>G (NM_001008213.1); c.-12+13A>G (NM_021980.4).
Identifiers: ClinVar variation 299208 (VCV000299208.5), dbSNP rs556917167, ClinGen allele CA10628200.